The following is an entry in ClinVar:

NM_001042492.3(NF1):c.5189C>T (p.Thr1730Ile)

Gene: NF1 (neurofibromin 1; plus strand). Cytogenetic location: 17q11.2.
Variant type: single nucleotide variant.
Coding change: c.5189C>T on transcript NM_001042492.3 (MANE Select); coding-DNA position 5189, C replaced by T.
Protein change: p.Thr1730Ile; replaces threonine 1730 with isoleucine.
Molecular consequence: missense variant.
Genome position (GRCh38, 1-based): chr17:31,326,173, C>T. VCF-style: chr17-31326173-C-T. GRCh37 (hg19) VCF-style: chr17-29653191-C-T.
Other names: c.5126C>T, p.Thr1709Ile (NM_000267.4); short protein forms T1730I, T1709I.
Identifiers: ClinVar variation 647410 (VCV000647410.5), dbSNP rs772831692, ClinGen allele CA399008010.

ClinVar aggregate classification (germline): Uncertain significance (1 of 4 stars; one submission).

Conditions:
Neurofibromatosis, type 1 (NF1). Also called: VON RECKLINGHAUSEN DISEASE; Neurofibromatosis, type I; NEUROFIBROMATOSIS, TYPE I, SOMATIC; Peripheral type neurofibromatosis. Identifiers: Orphanet 636, MedGen C0027831, MONDO:0018975, OMIM 162200. Disease mechanism: loss of function.

Submission:

Labcorp Genetics (formerly Invitae), Labcorp
Classification: Uncertain significance for Neurofibromatosis, type 1. Last evaluated: 2025-08-25. Review status: criteria provided, single submitter. Criteria: Invitae Variant Classification Sherloc (09022015). Collection method: clinical testing. Allele origin: germline.
Comment: This sequence change replaces threonine, which is neutral and polar, with isoleucine, which is neutral and non-polar, at codon 1709 of the NF1 protein (p.Thr1709Ile). This variant is not present in population databases (gnomAD no frequency). This variant has not been reported in the literature in individuals affected with NF1-related conditions. ClinVar contains an entry for this variant (Variation ID: 647410). Invitae Evidence Modeling of protein sequence and biophysical properties (such as structural, functional, and spatial information, amino acid conservation, physicochemical variation, residue mobility, and thermodynamic stability) indicates that this missense variant is expected to disrupt NF1 protein function with a positive predictive value of 95%. This variant disrupts the p.Thr1709 amino acid residue in NF1. Other variant(s) that disrupt this residue have been determined to be pathogenic (PMID: 35240321). This suggests that this residue is clinically significant, and that variants that disrupt this residue are likely to be disease-causing. In summary, the available evidence is currently insufficient to determine the role of this variant in disease. Therefore, it has been classified as a Variant of Uncertain Significance.

Literature cited by the submitters: PubMed 35240321.